The following is an entry in ClinVar:

NM_005045.4(RELN):c.92C>T (p.Pro31Leu)

Gene: RELN (reelin; minus strand). Cytogenetic location: 7q22.1.
Variant type: single nucleotide variant.
Coding change: c.92C>T on transcript NM_005045.4 (MANE Select); coding-DNA position 92, C replaced by T.
Protein change: p.Pro31Leu; replaces proline 31 with leucine.
Molecular consequence: missense variant.
Genome position (GRCh38, 1-based): chr7:103,989,265, G>A on the plus strand (C>T on the coding strand, the complement: RELN is on the minus strand). VCF-style: chr7-103989265-G-A. GRCh37 (hg19) VCF-style: chr7-103629712-G-A.
Other names: c.92C>T, p.Pro31Leu (NM_173054.3); short protein forms P31L.
Identifiers: ClinVar variation 1037146 (VCV001037146.8), dbSNP rs759623259, ClinGen allele CA4422721.

ClinVar aggregate classification (germline): Uncertain significance (1 of 4 stars; one submission).

Conditions:
Norman-Roberts syndrome (LIS2). Also called: Lissencephaly 2 (Norman-Roberts type). Identifiers: Orphanet 89844, MedGen C0796089, MONDO:0009760, OMIM 257320.
Familial temporal lobe epilepsy 7. Identifiers: Orphanet 101046, MedGen C4225327, MONDO:0014639, OMIM 616436.

Allele frequency attached by ClinVar (database versions not stated): TOPMed below 0.00001.
gnomAD v4.1: 7 of 1,613,796 alleles (0.00043%); highest among the groups gnomAD compares: South Asian, 0.0011%; no homozygotes.

Submission:

Labcorp Genetics (formerly Invitae), Labcorp
Classification: Uncertain significance for Familial temporal lobe epilepsy 7; Norman-Roberts syndrome. Last evaluated: 2022-09-07. Review status: criteria provided, single submitter. Criteria: Invitae Variant Classification Sherloc (09022015). Collection method: clinical testing. Allele origin: germline.
Comment: This sequence change replaces proline, which is neutral and non-polar, with leucine, which is neutral and non-polar, at codon 31 of the RELN protein (p.Pro31Leu). In summary, the available evidence is currently insufficient to determine the role of this variant in disease. Therefore, it has been classified as a Variant of Uncertain Significance. Algorithms developed to predict the effect of missense changes on protein structure and function are either unavailable or do not agree on the potential impact of this missense change (SIFT: "Deleterious"; PolyPhen-2: "Benign"; Align-GVGD: "Class C0"). ClinVar contains an entry for this variant (Variation ID: 1037146). This variant has not been reported in the literature in individuals affected with RELN-related conditions. This variant is present in population databases (rs759623259, gnomAD 0.002%).